The following is an entry in ClinVar:

ClinVar aggregate classification (germline): Uncertain significance. Review status: criteria provided, multiple submitters, no conflicts (2 of 4 stars). 2 submissions from 2 submitters: Uncertain significance (2). Last evaluated 2025-06-30.

Conditions:
DICER1-related tumor predisposition. Also called: DICER1 syndrome; DICER1-related pleuropulmonary blastoma cancer predisposition syndrome. Identifiers: Orphanet 284343, MedGen C3839822, MONDO:0100216.
Hereditary cancer-predisposing syndrome. Also called: Neoplastic Syndromes, Hereditary; Tumor predisposition; Hereditary neoplastic syndrome; Hereditary Cancer Syndrome. Identifiers: Orphanet 140162, MedGen C0027672, MeSH D009386, MONDO:0015356.

Allele frequency attached by ClinVar (database versions not stated): TOPMed below 0.00001.
gnomAD v4.1: 1 of 1,558,446 alleles (0.000064%); highest among the groups gnomAD compares: African/African-American, 0.0014%; no homozygotes.

Submissions (2):

Labcorp Genetics (formerly Invitae), Labcorp
Classification: Uncertain significance for DICER1-related tumor predisposition. Last evaluated: 2025-06-30. Review status: criteria provided, single submitter. Criteria: Invitae Variant Classification Sherloc (09022015). Collection method: clinical testing. Allele origin: germline.
Comment: This sequence change replaces serine, which is neutral and polar, with alanine, which is neutral and non-polar, at codon 287 of the DICER1 protein (p.Ser287Ala). This variant is not present in population databases (gnomAD no frequency). This variant has not been reported in the literature in individuals affected with DICER1-related conditions. ClinVar contains an entry for this variant (Variation ID: 1763991). Invitae Evidence Modeling of protein sequence and biophysical properties (such as structural, functional, and spatial information, amino acid conservation, physicochemical variation, residue mobility, and thermodynamic stability) indicates that this missense variant is not expected to disrupt DICER1 protein function with a negative predictive value of 95%. In summary, the available evidence is currently insufficient to determine the role of this variant in disease. Therefore, it has been classified as a Variant of Uncertain Significance.

Ambry Genetics
Classification: Uncertain significance for Hereditary cancer-predisposing syndrome. Last evaluated: 2021-01-11. Review status: criteria provided, single submitter. Criteria: Ambry Variant Classification Scheme 2023. Collection method: clinical testing. Allele origin: germline.
Comment: The p.S287A variant (also known as c.859T>G), located in coding exon 6 of the DICER1 gene, results from a T to G substitution at nucleotide position 859. The serine at codon 287 is replaced by alanine, an amino acid with similar properties. This amino acid position is not well conserved in available vertebrate species. In addition, this alteration is predicted to be tolerated by in silico analysis. Since supporting evidence is limited at this time, the clinical significance of this alteration remains unclear.

NM_177438.3(DICER1):c.859T>G (p.Ser287Ala)

Gene: DICER1 (dicer 1, ribonuclease III; minus strand). Cytogenetic location: 14q32.13.
Variant type: single nucleotide variant.
Coding change: c.859T>G on transcript NM_177438.3 (MANE Select); coding-DNA position 859, T replaced by G.
Protein change: p.Ser287Ala; replaces serine 287 with alanine.
Molecular consequence: missense variant. On other transcripts: 5 prime UTR variant (1), non-coding transcript variant (6).
Genome position (GRCh38, 1-based): chr14:95,126,624, A>C on the plus strand (T>G on the coding strand, the complement: DICER1 is on the minus strand). VCF-style: chr14-95126624-A-C. GRCh37 (hg19) VCF-style: chr14-95592961-A-C.
Other names: c.859T>G, p.Ser287Ala (NM_001195573.1, NM_001271282.3, NM_001291628.2 and 15 more transcripts); c.577T>G, p.Ser193Ala (NM_001395686.1); c.454T>G, p.Ser152Ala (NM_001395687.1, NM_001395688.1, NM_001395689.1 and 3 more transcripts); c.292T>G, p.Ser98Ala (NM_001395691.1); c.-710T>G (NM_001395697.1); short protein forms S152A, S287A, S193A, S98A.
Identifiers: ClinVar variation 1763991 (VCV001763991.7), dbSNP rs1595447725, ClinGen allele CA390887512.
Genomic context (GRCh38, chr14:95,126,624, plus strand): 5'-CTTGGTATATGCTTACCTGTTTCGAAATTAAAGTAGAATCTCTTTCTTTTGAATGTACAG[A>C]TATATTACAATCATTGATAAAATTAAGTGCTTCTTCTAATTCCATCAGCAGTCTTTCATA-3'
Protein context (NP_803187.1, residues 277-297): ALNFINDCNI[Ser287Ala]VHSKERDSTL